The following is an entry in ClinVar:

ClinVar aggregate classification (germline): Uncertain significance. Review status: criteria provided, multiple submitters, no conflicts (2 of 4 stars). 2 submissions from 2 submitters: Uncertain significance (2). Last evaluated 2023-09-04.

Conditions:
Hereditary cancer-predisposing syndrome. Also called: Tumor predisposition; Hereditary neoplastic syndrome; Neoplastic Syndromes, Hereditary; Hereditary Cancer Syndrome. Identifiers: Orphanet 140162, MedGen C0027672, MeSH D009386, MONDO:0015356.
Familial cancer of breast. Also called: BREAST CANCER, FAMILIAL; hereditary breast carcinoma; Hereditary breast cancer. Identifiers: Orphanet 227535, MedGen C0346153, MONDO:0016419, OMIM 114480. Disease mechanism: loss of function.

gnomAD v4.1: 1 of 1,601,004 alleles (0.000062%); highest among the groups gnomAD compares: Non-Finnish European, 0.000085%; no homozygotes.

Submissions (2):

Labcorp Genetics (formerly Invitae), Labcorp
Classification: Uncertain significance for Familial cancer of breast. Last evaluated: 2023-09-04. Review status: criteria provided, single submitter. Criteria: Invitae Variant Classification Sherloc (09022015). Collection method: clinical testing. Allele origin: germline.
Comment: This sequence change replaces arginine, which is basic and polar, with serine, which is neutral and polar, at codon 21 of the BARD1 protein (p.Arg21Ser). In summary, the available evidence is currently insufficient to determine the role of this variant in disease. Therefore, it has been classified as a Variant of Uncertain Significance. Algorithms developed to predict the effect of missense changes on protein structure and function output the following: SIFT: "Not Available"; PolyPhen-2: "Benign"; Align-GVGD: "Not Available". The serine amino acid residue is found in multiple mammalian species, which suggests that this missense change does not adversely affect protein function. ClinVar contains an entry for this variant (Variation ID: 664637). This variant has not been reported in the literature in individuals affected with BARD1-related conditions. This variant is not present in population databases (gnomAD no frequency).

Ambry Genetics
Classification: Uncertain significance for Hereditary cancer-predisposing syndrome. Last evaluated: 2021-01-28. Review status: criteria provided, single submitter. Criteria: Ambry Variant Classification Scheme 2023. Collection method: clinical testing. Allele origin: germline.
Comment: The p.R21S variant (also known as c.61C>A), located in coding exon 1 of the BARD1 gene, results from a C to A substitution at nucleotide position 61. The arginine at codon 21 is replaced by serine, an amino acid with dissimilar properties. This amino acid position is poorly conserved in available vertebrate species. In addition, this alteration is predicted to be tolerated by in silico analysis. Since supporting evidence is limited at this time, the clinical significance of this alteration remains unclear.

NM_000465.4(BARD1):c.61C>A (p.Arg21Ser)

Gene: BARD1 (BRCA1 associated RING domain 1; minus strand). Cytogenetic location: 2q35.
Variant type: single nucleotide variant.
Coding change: c.61C>A on transcript NM_000465.4 (MANE Select); coding-DNA position 61, C replaced by A.
Protein change: p.Arg21Ser; replaces arginine 21 with serine.
Molecular consequence: missense variant. On other transcripts: non-coding transcript variant (3).
Genome position (GRCh38, 1-based): chr2:214,809,509, G>T on the plus strand (C>A on the coding strand, the complement: BARD1 is on the minus strand). VCF-style: chr2-214809509-G-T. GRCh37 (hg19) VCF-style: chr2-215674233-G-T.
Other names: c.61C>A, p.Arg21Ser (NM_001282543.2, NM_001282545.2, NM_001282548.2 and 1 more transcripts); short protein forms R21S.
Identifiers: ClinVar variation 664637 (VCV000664637.12), dbSNP rs864622206, ClinGen allele CA350465215.
Genomic context (GRCh38, chr2:214,809,509, plus strand): 5'-GCGCGGCGCGACTGTGGGCCCAGGCACCGCGACCATCCGGTTCCATGGCGGGCGCGGAAC[G>T]AGGCTCGTTCCCGGAGCGGATCCTCGGCTGCCGGTTCCTCGGCTGCCGATTATCCGGCAT-3'
Protein context (NP_000456.2, residues 11-31): QPRIRSGNEP[Arg21Ser]SAPAMEPDGR